The following is an entry in ClinVar:

NM_019040.5(ELP4):c.329G>C (p.Gly110Ala)

Gene: ELP4 (elongator acetyltransferase complex subunit 4; plus strand). Cytogenetic location: 11p13.
Variant type: single nucleotide variant.
Coding change: c.329G>C on transcript NM_019040.5 (MANE Select); coding-DNA position 329, G replaced by C.
Protein change: p.Gly110Ala; replaces glycine 110 with alanine.
Molecular consequence: missense variant.
Genome position (GRCh38, 1-based): chr11:31,539,731, G>C. VCF-style: chr11-31539731-G-C. GRCh37 (hg19) VCF-style: chr11-31561278-G-C.
Other names: c.329G>C, p.Gly110Ala (NM_001288725.2, NM_001288726.2); short protein forms G110A.
Identifiers: ClinVar variation 4769710 (VCV004769710.1).

ClinVar aggregate classification (germline): Uncertain significance (1 of 4 stars; one submission).

Submission:

Labcorp Genetics (formerly Invitae), Labcorp
Classification: Uncertain significance. Last evaluated: 2025-06-27. Review status: criteria provided, single submitter. Criteria: Invitae Variant Classification Sherloc (09022015). Collection method: clinical testing. Allele origin: germline.
Comment: This sequence change replaces glycine, which is neutral and non-polar, with alanine, which is neutral and non-polar, at codon 110 of the ELP4 protein (p.Gly110Ala). This variant is not present in population databases (gnomAD no frequency). This variant has not been reported in the literature in individuals affected with ELP4-related conditions. An algorithm developed to predict the effect of missense changes on protein structure and function (PolyPhen-2) suggests that this variant is likely to be disruptive. In summary, the available evidence is currently insufficient to determine the role of this variant in disease. Therefore, it has been classified as a Variant of Uncertain Significance.